The following is an entry in ClinVar:

NM_198586.3(NHLRC1):c.670_673del (p.Thr224fs)

Gene: NHLRC1 (NHL repeat containing E3 ubiquitin protein ligase 1; minus strand). Cytogenetic location: 6p22.3.
Variant type: Deletion.
Coding change: c.670_673del on transcript NM_198586.3 (MANE Select); coding-DNA positions 670 to 673, 4 bases deleted (ACCC; older notation c.670_673delACCC).
Protein change: p.Thr224fs; shifts the reading frame from threonine 224.
Molecular consequence: frameshift variant.
Genome position (GRCh38, 1-based): chr6:18,121,934-18,121,937, GGGT deleted on the plus strand (ACCC on the coding strand, the reverse complement: NHLRC1 is on the minus strand); deleting any 4 consecutive bases within chr6:18,121,934-18,121,939 gives the same sequence; the c. name uses the placement nearest the transcript's 3' end. VCF-style (leftmost placement, unchanged base first): chr6-18121933-GGGGT-G. GRCh37 (hg19) VCF-style: chr6-18122164-GGGGT-G.
Other names: short protein forms T224fs.
Identifiers: ClinVar variation 1071786 (VCV001071786.9), dbSNP rs2150702964, ClinGen allele CA2499218195.

ClinVar aggregate classification (germline): Pathogenic (1 of 4 stars; one submission).

Conditions:
Lafora disease. Also called: Epilepsy progressive myoclonic 2; Progressive Myoclonus Epilepsy, Lafora Type. Identifiers: Orphanet 501, MedGen C0751783, MONDO:0009697.

Submission:

Labcorp Genetics (formerly Invitae), Labcorp
Classification: Pathogenic for Lafora disease. Last evaluated: 2020-03-10. Review status: criteria provided, single submitter. Criteria: Invitae Variant Classification Sherloc (09022015). Collection method: clinical testing. Allele origin: germline.
Comment: For these reasons, this variant has been classified as Pathogenic. This variant disrupts the C-terminus of the NHLRC1 protein. Other variant(s) that disrupt this region (p.Val367Trpfs*21) have been determined to be pathogenic (PMID: 12958597). This variant is also known as V367fs20 in the literature. This suggests that variants that disrupt this region of the protein are likely to be causative of disease. Experimental studies and prediction algorithms are not available or were not evaluated, and the functional significance of this variant is currently unknown. This variant has not been reported in the literature in individuals with NHLRC1-related conditions. This variant is not present in population databases (ExAC no frequency). This sequence change results in a premature translational stop signal in the NHLRC1 gene (p.Thr224Leufs*7). While this is not anticipated to result in nonsense mediated decay, it is expected to disrupt the last 172 amino acids of the NHLRC1 protein.

Literature cited by the submitters: PubMed 12958597.